The following is an entry in ClinVar:

ClinVar aggregate classification (germline): Pathogenic (1 of 4 stars; one submission).

Conditions:
RYR1-related disorder. Also called: RYR1-related condition; RYR1-related disorders. Identifiers: MedGen CN239331.

gnomAD v4.1: 1 of 1,613,968 alleles (0.000062%); highest among the groups gnomAD compares: Middle Eastern, 0.016%; no homozygotes.

Submission:

Labcorp Genetics (formerly Invitae), Labcorp
Classification: Pathogenic for RYR1-related disorder. Last evaluated: 2025-06-10. Review status: criteria provided, single submitter. Criteria: Invitae Variant Classification Sherloc (09022015). Collection method: clinical testing. Allele origin: germline.
Comment: This sequence change creates a premature translational stop signal (p.Glu4171*) in the RYR1 gene. It is expected to result in an absent or disrupted protein product. Loss-of-function variants in RYR1 are known to be pathogenic (PMID: 23919265, 25960145, 28818389, 30611313). This variant is not present in population databases (gnomAD no frequency). This variant has not been reported in the literature in individuals affected with RYR1-related conditions. For these reasons, this variant has been classified as Pathogenic.

Literature cited by the submitters: PubMed 23919265; PubMed 25960145; PubMed 28818389; PubMed 30611313.

NM_000540.3(RYR1):c.12511G>T (p.Glu4171Ter)

Gene: RYR1 (ryanodine receptor 1; plus strand). Cytogenetic location: 19q13.2.
Variant type: single nucleotide variant.
Coding change: c.12511G>T on transcript NM_000540.3 (MANE Select); coding-DNA position 12511, G replaced by T.
Protein change: p.Glu4171Ter; replaces glutamic acid 4171 with a stop codon.
Molecular consequence: nonsense.
Genome position (GRCh38, 1-based): chr19:38,561,341, G>T. VCF-style: chr19-38561341-G-T. GRCh37 (hg19) VCF-style: chr19-39051981-G-T.
Other names: c.12496G>T, p.Glu4166Ter (NM_001042723.2); short protein forms E4166*, E4171*.
Identifiers: ClinVar variation 4743023 (VCV004743023.1).